The following is an entry in ClinVar:

ClinVar aggregate classification (germline): Likely benign. Review status: criteria provided, single submitter (1 of 4 stars). 2 submissions from 2 submitters: Likely benign (1). 1 of the submissions does not count toward it. Last evaluated 2025-05-11.

Conditions:
GLDC-related disorder. Also called: GLDC-related condition.
Glycine encephalopathy. Also called: Nonketotic hyperglycinemia; Non-ketotic hyperglycinemia. Identifiers: Orphanet 407, MedGen C0751748, MONDO:0011612, HP:0008288.

Allele frequency attached by ClinVar (database versions not stated): gnomAD 0.00001; TOPMed 0.00002; ExAC 0.00003; gnomAD exomes 0.00003 and 0.00006.
gnomAD v4.1: 83 of 1,608,032 alleles (0.0052%); highest among the groups gnomAD compares: Non-Finnish European, 0.0066%; no homozygotes.

Submissions (2):

Labcorp Genetics (formerly Invitae), Labcorp
Classification: Likely benign for Glycine encephalopathy. Last evaluated: 2025-05-11. Review status: criteria provided, single submitter. Criteria: Invitae Variant Classification Sherloc (09022015). Collection method: clinical testing. Allele origin: germline.

PreventionGenetics, part of Exact Sciences
Classification: Likely benign for GLDC-related condition. Last evaluated: 2024-04-12. Review status: no assertion criteria provided. Collection method: clinical testing. Allele origin: germline. Not counted in ClinVar's aggregate classification.
Comment: This variant is classified as likely benign based on ACMG/AMP sequence variant interpretation guidelines (Richards et al. 2015 PMID: 25741868, with internal and published modifications).

NM_000170.3(GLDC):c.687A>G (p.Thr229=)

Gene: GLDC (glycine decarboxylase; minus strand). Cytogenetic location: 9p24.1.
Variant type: single nucleotide variant.
Coding change: c.687A>G on transcript NM_000170.3 (MANE Select); coding-DNA position 687, A replaced by G.
Protein change: p.Thr229=; no amino-acid change (threonine 229 retained).
Molecular consequence: synonymous variant.
Genome position (GRCh38, 1-based): chr9:6,606,618, T>C on the plus strand (A>G on the coding strand, the complement: GLDC is on the minus strand). VCF-style: chr9-6606618-T-C. GRCh37 (hg19) VCF-style: chr9-6606618-T-C.
Other names: c.687A>G (NM_000170.2).
Identifiers: ClinVar variation 1093347 (VCV001093347.8), dbSNP rs772572634, ClinGen allele CA4981038.